The following is an entry in ClinVar:

NM_024420.3(PLA2G4A):c.1765-3T>C

Gene: PLA2G4A (phospholipase A2 group IVA; plus strand). Cytogenetic location: 1q31.1.
Variant type: single nucleotide variant.
Coding change: c.1765-3T>C on transcript NM_024420.3 (MANE Select); 3 bases into the intron before coding-DNA position 1765, T replaced by C.
Molecular consequence: intron variant.
Genome position (GRCh38, 1-based): chr1:186,977,590, T>C. VCF-style: chr1-186977590-T-C. GRCh37 (hg19) VCF-style: chr1-186946722-T-C.
Other names: p.?; c.1585-3T>C (NM_001311193.2).
Identifiers: ClinVar variation 791228 (VCV000791228.13), dbSNP rs12720687, ClinGen allele CA1300307.

ClinVar aggregate classification (germline): Benign. Review status: criteria provided, multiple submitters, no conflicts (2 of 4 stars). 4 submissions from 4 submitters: Benign (3). 1 of the submissions does not count toward it. Last evaluated 2026-01-27.

Conditions:
PLA2G4A-related disorder. Also called: PLA2G4A-related condition.

Allele frequency attached by ClinVar (database versions not stated): ESP Exome Variant Server 0.00477; gnomAD 0.00575 and 0.00650; TOPMed 0.00674; gnomAD exomes 0.00719; ExAC 0.00769; 1000 Genomes Project 30x 0.01530; 1000 Genomes Project 0.01577.
gnomAD v4.1: 4,710 of 1,603,026 alleles (0.29%); highest among the groups gnomAD compares: East Asian, 3.6%; 79 homozygotes.

Submissions (4):

Labcorp Genetics (formerly Invitae), Labcorp
Classification: Benign. Last evaluated: 2026-01-27. Review status: criteria provided, single submitter. Criteria: Invitae Variant Classification Sherloc (09022015). Collection method: clinical testing. Allele origin: germline.

Mayo Clinic Laboratories, Mayo Clinic
Classification: Benign. Last evaluated: 2023-10-01. Review status: criteria provided, single submitter. Criteria: ACMG Guidelines, 2015. Collection method: clinical testing. Allele origin: germline. Observed: 4 variant alleles.

Breakthrough Genomics
Classification: Benign. Review status: criteria provided, single submitter. Criteria: ACMG Guidelines, 2015. Collection method: not provided. Allele origin: germline. Inheritance: Autosomal recessive inheritance. Affected: yes.

PreventionGenetics, part of Exact Sciences
Classification: Benign for PLA2G4A-related condition. Last evaluated: 2019-10-07. Review status: no assertion criteria provided. Collection method: clinical testing. Allele origin: germline. Not counted in ClinVar's aggregate classification.
Comment: This variant is classified as benign based on ACMG/AMP sequence variant interpretation guidelines (Richards et al. 2015 PMID: 25741868, with internal and published modifications).